The following is an entry in ClinVar:

NC_000019.10:g.39480666T>G

Gene: TIMM50 (translocase of inner mitochondrial membrane 50; plus strand). Cytogenetic location: 19q13.2.
Variant type: single nucleotide variant.
Genome position: GRCh38 VCF-style: chr19-39480666-T-G. GRCh37 (hg19) VCF-style: chr19-39971306-T-G.
Identifiers: ClinVar variation 1444537 (VCV001444537.5), dbSNP rs549078282, ClinGen allele CA9431558.
Genomic context (GRCh38, chr19:39,480,666, plus strand): 5'-GGGGCGGTGGCGCTCTGCAAGGCCCAAGGGGGCGTGGTCCAGATGACTTTGAATCCCAGT[T>G]GTCGCCCCCAGGGTCAGCCAGGAGACTAGTCAGAAGCAAACGCGCCTGCGGCAATCCGCC-3'

ClinVar aggregate classification (germline): Uncertain significance (1 of 4 stars; one submission).

Allele frequency attached by ClinVar (database versions not stated): TOPMed 0.00002; 1000 Genomes Project 0.00020; 1000 Genomes Project 30x 0.00031.

Submission:

Labcorp Genetics (formerly Invitae), Labcorp
Classification: Uncertain significance. Last evaluated: 2025-02-24. Review status: criteria provided, single submitter. Criteria: Invitae Variant Classification Sherloc (09022015). Collection method: clinical testing. Allele origin: germline.
Comment: This sequence change replaces leucine, which is neutral and non-polar, with tryptophan, which is neutral and slightly polar, at codon 41 of the TIMM50 protein (p.Leu41Trp). This variant is present in population databases (rs549078282, gnomAD 0.009%). This variant has not been reported in the literature in individuals affected with TIMM50-related conditions. ClinVar contains an entry for this variant (Variation ID: 1444537). An algorithm developed to predict the effect of missense changes on protein structure and function (PolyPhen-2) suggests that this variant is likely to be tolerated. In summary, the available evidence is currently insufficient to determine the role of this variant in disease. Therefore, it has been classified as a Variant of Uncertain Significance.